The following is an entry in ClinVar:

NM_000020.3(ACVRL1):c.992T>C (p.Phe331Ser)

Gene: ACVRL1 (activin A receptor like type 1; plus strand). Cytogenetic location: 12q13.13.
Variant type: single nucleotide variant.
Coding change: c.992T>C on transcript NM_000020.3 (MANE Select); coding-DNA position 992, T replaced by C.
Protein change: p.Phe331Ser; replaces phenylalanine 331 with serine.
Molecular consequence: missense variant.
Genome position (GRCh38, 1-based): chr12:51,915,444, T>C. VCF-style: chr12-51915444-T-C. GRCh37 (hg19) VCF-style: chr12-52309228-T-C.
Other names: c.992T>C, p.Phe331Ser (NM_001077401.2); short protein forms F331S.
Identifiers: ClinVar variation 464773 (VCV000464773.5), dbSNP rs1166311240, ClinGen allele CA384901479.

ClinVar aggregate classification (germline): Pathogenic (1 of 4 stars; one submission).

Conditions:
Telangiectasia, hereditary hemorrhagic, type 2 (HHT2). Also called: ACVRL1-Related Hereditary Hemorrhagic Telangiectasia; Telangiectasia, hereditary hemorrhagic, type II. Identifiers: Orphanet 774, MedGen C1838163, MONDO:0010880, OMIM 600376. Disease mechanism: loss of function.

Submission:

Labcorp Genetics (formerly Invitae), Labcorp
Classification: Pathogenic for Telangiectasia, hereditary hemorrhagic, type 2. Last evaluated: 2022-01-05. Review status: criteria provided, single submitter. Criteria: Invitae Variant Classification Sherloc (09022015). Collection method: clinical testing. Allele origin: germline.
Comment: Advanced modeling of protein sequence and biophysical properties (such as structural, functional, and spatial information, amino acid conservation, physicochemical variation, residue mobility, and thermodynamic stability) performed at Invitae indicates that this missense variant is expected to disrupt ACVRL1 protein function. ClinVar contains an entry for this variant (Variation ID: 464773). This missense change has been observed in individuals with hereditary hemorrhagic telangiectasia (HHT) (PMID: 16752392; Invitae). This variant is not present in population databases (gnomAD no frequency). This sequence change replaces phenylalanine, which is neutral and non-polar, with serine, which is neutral and polar, at codon 331 of the ACVRL1 protein (p.Phe331Ser). For these reasons, this variant has been classified as Pathogenic.

Literature cited by the submitters: PubMed 16752392.